The following is an entry in ClinVar:

ClinVar aggregate classification (germline): Benign. Review status: criteria provided, multiple submitters, no conflicts (2 of 4 stars). 2 submissions from 2 submitters: Benign (2). Last evaluated 2018-06-14.

Conditions:
Maturity-onset diabetes of the young (MODY). Also called: Maturity onset diabetes mellitus in young. Identifiers: Orphanet 552, MedGen C0342276, MONDO:0018911, HP:0004904.

Allele frequency attached by ClinVar (database versions not stated): gnomAD 0.07736 and 0.07699; TOPMed 0.08352; 1000 Genomes Project 0.06809; 1000 Genomes Project 30x 0.06980.
gnomAD v4.1: 11,684 of 152,280 alleles (7.7%); highest among the groups gnomAD compares: Admixed American, 11%; 529 homozygotes.

Submissions (2):

GeneDx
Classification: Benign. Last evaluated: 2018-06-14. Review status: criteria provided, single submitter. Criteria: GeneDx Variant Classification (06012015). Collection method: clinical testing. Allele origin: germline. Affected: yes.
Comment: This variant is considered likely benign or benign based on one or more of the following criteria: it is a conservative change, it occurs at a poorly conserved position in the protein, it is predicted to be benign by multiple in silico algorithms, and/or has population frequency not consistent with disease.

Clinical Genomics, Uppaluri K&H Personalized Medicine Clinic
Classification: Benign for Maturity-onset diabetes of the young. Review status: criteria provided, single submitter. Criteria: K & H Uppaluri Personalized Medicine Clinic Variant Classification & Assertion Criteria_Updated V.1. Collection method: research. Allele origin: unknown. Inheritance: Autosomal dominant inheritance.
Comment: Potent mutations in HNF4A are associated with poor insulin secretion in response to hyperglycemia. Associated with MODY1. Patients initially respond well to sulfonylureas but eventually become insulin dependent. However, more evidence is required to ascertain the role of this particular variant rs11086925 in MODY, yet.

Literature cited by the submitters: PubMed 18268044 (cited by Clinical Genomics, Uppaluri K&H Personalized Medicine Clinic); PubMed 17563455 (cited by Clinical Genomics, Uppaluri K&H Personalized Medicine Clinic); PubMed 32583173 (cited by Clinical Genomics, Uppaluri K&H Personalized Medicine Clinic); PubMed 35052457 (cited by Clinical Genomics, Uppaluri K&H Personalized Medicine Clinic); PubMed 35118593 (cited by Clinical Genomics, Uppaluri K&H Personalized Medicine Clinic); DOI 10.1159/000334532 (cited by Clinical Genomics, Uppaluri K&H Personalized Medicine Clinic).

NM_175914.5(HNF4A):c.670+196G>A

Gene: HNF4A (hepatocyte nuclear factor 4 alpha; plus strand). Cytogenetic location: 20q13.12.
Variant type: single nucleotide variant.
Coding change: c.670+196G>A on transcript NM_175914.5 (MANE Select); 196 bases into the intron after coding-DNA position 670, G replaced by A.
Molecular consequence: intron variant.
Genome position (GRCh38, 1-based): chr20:44,418,708, G>A. VCF-style: chr20-44418708-G-A. GRCh37 (hg19) VCF-style: chr20-43047348-G-A.
Other names: c.661+196G>A (NM_001287182.2, NM_001287183.2, NM_001287184.2); c.670+196G>A (NM_001030003.3, NM_001030004.3); c.715+196G>A (NM_001258355.2); c.736+196G>A (NM_178849.3, NM_000457.6, NM_178850.3).
Identifiers: ClinVar variation 676880 (VCV000676880.2), dbSNP rs11086925, ClinGen allele CA14798804.